The following is an entry in ClinVar:

ClinVar aggregate classification (germline): Uncertain significance (1 of 4 stars; one submission).

Conditions:
ITGA2-related disorder. Also called: ITGA2-related condition.

Allele frequency attached by ClinVar (database versions not stated): gnomAD 0.00004; ExAC 0.00005; gnomAD exomes 0.00006; TOPMed 0.00008 and 0.00012; ESP Exome Variant Server 0.00024.

Submission:

PreventionGenetics, part of Exact Sciences
Classification: Uncertain significance for ITGA2-related condition. Last evaluated: 2024-11-27. Review status: criteria provided, single submitter. Criteria: ACMG Guidelines, 2015. Collection method: clinical testing. Allele origin: germline.
Comment: The ITGA2 c.2418delA variant is predicted to result in an in-frame deletion (p.Pro807Gln*17). To our knowledge, this variant has not been reported in the literature. This variant is reported in 0.013% of alleles in individuals of European (Non-Finnish) descent in gnomAD. At this time, the clinical significance of this variant is uncertain due to the absence of conclusive functional and genetic evidence.

NM_002203.4(ITGA2):c.2418del (p.Pro807fs)

Gene: ITGA2 (integrin subunit alpha 2; plus strand). Cytogenetic location: 5q11.2.
Variant type: Deletion.
Coding change: c.2418del on transcript NM_002203.4 (MANE Select); coding-DNA position 2418, one base deleted (A; older notation c.2418delA).
Protein change: p.Pro807fs; shifts the reading frame from proline 807.
Molecular consequence: frameshift variant. On other transcripts: non-coding transcript variant (5).
Genome position (GRCh38, 1-based): chr5:53,072,684, A deleted. VCF-style (leftmost placement, unchanged base first): chr5-53072683-TA-T. GRCh37 (hg19) VCF-style: chr5-52368513-TA-T.
Other names: short protein forms P807fs.
Identifiers: ClinVar variation 4980923 (VCV004980923.1), dbSNP rs766068224.